The following is an entry in ClinVar:

NM_000548.5(TSC2):c.4716G>A (p.Thr1572=)

Gene: TSC2 (TSC complex subunit 2; plus strand). Cytogenetic location: 16p13.3.
Variant type: single nucleotide variant.
Coding change: c.4716G>A on transcript NM_000548.5 (MANE Select); coding-DNA position 4716, G replaced by A.
Protein change: p.Thr1572=; no amino-acid change (threonine 1572 retained).
Molecular consequence: synonymous variant.
Genome position (GRCh38, 1-based): chr16:2,086,246, G>A. VCF-style: chr16-2086246-G-A. GRCh37 (hg19) VCF-style: chr16-2136247-G-A.
Other names: c.4515G>A, p.Thr1505= (NM_001077183.3); c.4647G>A, p.Thr1549= (NM_001114382.3); c.4407G>A, p.Thr1469= (NM_001318827.2); c.4371G>A, p.Thr1457= (NM_001318829.2); c.3984G>A, p.Thr1328= (NM_001318831.2); c.4548G>A, p.Thr1516= (NM_001318832.2); c.4518G>A, p.Thr1506= (NM_001363528.2); c.4584G>A, p.Thr1528= (NM_001370404.1); and 2 more.
Identifiers: ClinVar variation 220803 (VCV000220803.18), dbSNP rs369346726, ClinGen allele CA052335.

ClinVar aggregate classification (germline): Benign/Likely benign. Review status: criteria provided, multiple submitters, no conflicts (2 of 4 stars). 6 submissions from 6 submitters: Benign (2); Likely benign (3). 1 of the submissions does not count toward it. Last evaluated 2025-07-27.

Conditions:
Lymphangiomyomatosis (LAM). Also called: Lymphangioleiomyomatosis; Lymphangioleiomyomatosis, somatic. Identifiers: Orphanet 538, MedGen C0751674, MONDO:0011705, OMIM 606690.
Tuberous sclerosis 2 (TSC2). Identifiers: Orphanet 805, MedGen C1860707, MONDO:0013199, OMIM 613254.
Isolated focal cortical dysplasia type II (FCORD2). Also called: Focal cortical dysplasia type II; CORTICAL DYSPLASIA OF TAYLOR. Identifiers: Orphanet 268994, MedGen C1846385, MONDO:0011818, OMIM 607341, HP:0032051.
TSC2-related disorder. Also called: TSC2-Related Disorders; TSC2-related condition.
Hereditary cancer-predisposing syndrome. Also called: Neoplastic Syndromes, Hereditary; Tumor predisposition; Hereditary Cancer Syndrome; Hereditary neoplastic syndrome. Identifiers: Orphanet 140162, MedGen C0027672, MeSH D009386, MONDO:0015356.

Allele frequency attached by ClinVar (database versions not stated): TOPMed 0.00005.
gnomAD v4.1: 20 of 1,612,614 alleles (0.0012%); highest among the groups gnomAD compares: African/African-American, 0.008%; 1 homozygote.

Submissions (6):

Labcorp Genetics (formerly Invitae), Labcorp
Classification: Benign for Tuberous sclerosis 2. Last evaluated: 2025-07-27. Review status: criteria provided, single submitter. Criteria: Invitae Variant Classification Sherloc (09022015). Collection method: clinical testing. Allele origin: germline.

PreventionGenetics, part of Exact Sciences
Classification: Likely benign for TSC2-related condition. Last evaluated: 2025-07-19. Review status: criteria provided, single submitter. Criteria: ACMG Guidelines, 2015. Collection method: clinical testing. Allele origin: germline.
Comment: This variant is classified as likely benign based on ACMG/AMP sequence variant interpretation guidelines (Richards et al. 2015 PMID: 25741868, with internal and published modifications).

Myriad Genetics, Inc.
Classification: Benign for Tuberous sclerosis 2. Last evaluated: 2025-06-04. Review status: criteria provided, single submitter. Criteria: Myriad Autosomal Dominant, Autosomal Recessive and X-Linked Classification Criteria (2023). Collection method: clinical testing. Allele origin: unknown.
Comment: This variant is considered benign. This variant is a silent/synonymous amino acid change and it is not expected to impact splicing.

Fulgent Genetics
Classification: Likely benign for Lymphangiomyomatosis; Isolated focal cortical dysplasia type II; Tuberous sclerosis 2. Last evaluated: 2022-03-18. Review status: criteria provided, single submitter. Criteria: ACMG Guidelines, 2015. Collection method: clinical testing. Allele origin: unknown.

Ambry Genetics
Classification: Likely benign for Hereditary cancer-predisposing syndrome. Last evaluated: 2020-03-04. Review status: criteria provided, single submitter. Criteria: Ambry Variant Classification Scheme 2023. Collection method: clinical testing. Allele origin: germline.

Genetic Services Laboratory, University of Chicago
Classification: Likely benign. Last evaluated: 2022-09-13. Review status: no assertion criteria provided. Collection method: clinical testing. Allele origin: germline. Affected: no. Not counted in ClinVar's aggregate classification.